The following is an entry in ClinVar:

ClinVar aggregate classification (germline): Uncertain significance (1 of 4 stars; one submission).

Submission:

Clinical Genetics Laboratory, University Hospital Schleswig-Holstein
Classification: Uncertain significance. Last evaluated: 2025-04-14. Review status: criteria provided, single submitter. Criteria: ACMG Guidelines, 2015. Collection method: clinical testing. Allele origin: germline. Observed: 1 heterozygote.
Comment: ACMG criteria applied: PM2, PVS1_Moderate

NM_183377.2(ASIC2):c.886A>T (p.Lys296Ter)

Gene: ASIC2 (acid sensing ion channel subunit 2; minus strand). Cytogenetic location: 17q11.2.
Variant type: single nucleotide variant.
Coding change: c.886A>T on transcript NM_183377.2 (MANE Select); coding-DNA position 886, A replaced by T.
Protein change: p.Lys296Ter; replaces lysine 296 with a stop codon.
Molecular consequence: nonsense.
Genome position (GRCh38, 1-based): chr17:33,088,964, T>A on the plus strand (A>T on the coding strand, the complement: ASIC2 is on the minus strand). VCF-style: chr17-33088964-T-A. GRCh37 (hg19) VCF-style: chr17-31415982-T-A.
Other names: c.733A>T, p.Lys245Ter (NM_001094.5); short protein forms K245*, K296*.
Identifiers: ClinVar variation 5042036 (VCV005042036.1).